The following is an entry in ClinVar:

ClinVar aggregate classification (germline): Uncertain significance (1 of 4 stars; one submission).

Conditions:
Immunodeficiency 35 (IMD35). Also called: TYK2 DEFICIENCY; Susceptibility to infection due to TYK2 deficiency; HIES WITH ATYPICAL MYCOBACTERIOSIS, AUTOSOMAL RECESSIVE; HYPER-IgE SYNDROME WITH ATYPICAL MYCOBACTERIOSIS, AUTOSOMAL RECESSIVE. Identifiers: Orphanet 331226, MedGen C1969086, MONDO:0012682, OMIM 611521.

Allele frequency attached by ClinVar (database versions not stated): gnomAD 0.00004; ExAC 0.00005; gnomAD exomes 0.00005 and 0.00006; TOPMed 0.00008.
gnomAD v4.1: 80 of 1,613,906 alleles (0.005%); highest among the groups gnomAD compares: East Asian, 0.058%; no homozygotes.

Submission:

Labcorp Genetics (formerly Invitae), Labcorp
Classification: Uncertain significance for Immunodeficiency 35. Last evaluated: 2022-09-23. Review status: criteria provided, single submitter. Criteria: Invitae Variant Classification Sherloc (09022015). Collection method: clinical testing. Allele origin: germline.
Comment: This sequence change replaces glutamic acid, which is acidic and polar, with lysine, which is basic and polar, at codon 173 of the TYK2 protein (p.Glu173Lys). This variant is present in population databases (rs56222823, gnomAD 0.03%). This variant has not been reported in the literature in individuals affected with TYK2-related conditions. ClinVar contains an entry for this variant (Variation ID: 1407674). Algorithms developed to predict the effect of missense changes on protein structure and function are either unavailable or do not agree on the potential impact of this missense change (SIFT: "Not Available"; PolyPhen-2: "Possibly Damaging"; Align-GVGD: "Not Available"). In summary, the available evidence is currently insufficient to determine the role of this variant in disease. Therefore, it has been classified as a Variant of Uncertain Significance.

NM_003331.5(TYK2):c.517G>A (p.Glu173Lys)

Gene: TYK2 (tyrosine kinase 2; minus strand). Cytogenetic location: 19p13.2.
Variant type: single nucleotide variant.
Coding change: c.517G>A on transcript NM_003331.5 (MANE Select); coding-DNA position 517, G replaced by A.
Protein change: p.Glu173Lys; replaces glutamic acid 173 with lysine.
Molecular consequence: missense variant.
Genome position (GRCh38, 1-based): chr19:10,366,529, C>T on the plus strand (G>A on the coding strand, the complement: TYK2 is on the minus strand). VCF-style: chr19-10366529-C-T. GRCh37 (hg19) VCF-style: chr19-10477205-C-T.
Other names: c.517G>A, p.Glu173Lys (NM_001385197.1, NM_001385198.1, NM_001385199.1 and 8 more transcripts); short protein forms E173K.
Identifiers: ClinVar variation 1407674 (VCV001407674.3), dbSNP rs56222823, ClinGen allele CA9193705.
Genomic context (GRCh38, chr19:10,366,529, plus strand): 5'-GACAGAGGTGCAGAAAGGCCATGCCCAGGCTCTCATTCTTAAAGTGGTGGATCTCCTCCT[C>T]GGTCGACAGCTCCCACAGTGATGCCACGTCATTCACAAACTCATGCTTGCCCTGGGAACA-3'
Protein context (NP_003322.3, residues 163-183): DVASLWELST[Glu173Lys]EEIHHFKNES